The following is an entry in ClinVar:

NM_032043.3(BRIP1):c.-31+498_187del

Gene: BRIP1 (BRCA1 interacting DNA helicase 1; minus strand). Cytogenetic location: 17q23.2.
Variant type: Deletion.
Coding change: c.-31+498_187del on transcript NM_032043.3 (MANE Select); 498 bases into the intron after 31 bases upstream of the start codon through coding-DNA position 187, 2,973 bases deleted.
Molecular consequence: splice acceptor variant, splice donor variant, initiator codon variant.
Genome position (GRCh38, 1-based): chr17:61,859,814-61,862,786, 2,973 bases deleted. GRCh37 (hg19): chr17:59,937,176-59,940,148.
Identifiers: ClinVar variation 565330 (VCV000565330.4), ClinGen allele CA891844433.

ClinVar aggregate classification (germline): Pathogenic (1 of 4 stars; one submission).

Conditions:
Fanconi anemia complementation group J. Also called: BRIP1-Related Fanconi Anemia. Identifiers: Orphanet 84, MedGen C1836860, MONDO:0012187, OMIM 609054.
Familial cancer of breast. Also called: Hereditary breast cancer; BREAST CANCER, FAMILIAL; hereditary breast carcinoma. Identifiers: Orphanet 227535, MedGen C0346153, MONDO:0016419, OMIM 114480. Disease mechanism: loss of function.

Submission:

Labcorp Genetics (formerly Invitae), Labcorp
Classification: Pathogenic for Hereditary Breast Carcinoma; Fanconi anemia, complementation group J. Last evaluated: 2019-11-27. Review status: criteria provided, single submitter. Criteria: Invitae Variant Classification Sherloc (09022015). Collection method: clinical testing. Allele origin: germline.
Comment: This variant is a deletion of the genomic region encompassing exon 2 and part of exon 3 (c.-31+498_187del) of the BRIP1 gene. It is expected to disrupt RNA splicing and likely results in an absent or disrupted protein product. This variant has been reported in the literature in an individual affected with ovarian cancer (PMID: 28783718). ClinVar contains an entry for this variant (Variation ID: 565330). Loss-of-function variants in BRIP1 are known to be pathogenic (PMID: 16116423, 17033622, 21964575). For these reasons, this variant has been classified as Pathogenic.

Literature cited by the submitters: PubMed 28783718.